The following is an entry in ClinVar:

NM_006721.4(ADK):c.195G>A (p.Leu65=)

Gene: ADK (adenosine kinase; plus strand). Cytogenetic location: 10q22.2.
Variant type: single nucleotide variant.
Coding change: c.195G>A on transcript NM_006721.4 (MANE Select); coding-DNA position 195, G replaced by A.
Protein change: p.Leu65=; no amino-acid change (leucine 65 retained).
Molecular consequence: synonymous variant.
Genome position (GRCh38, 1-based): chr10:74,314,667, G>A. VCF-style: chr10-74314667-G-A. GRCh37 (hg19) VCF-style: chr10-76074425-G-A.
Other names: c.144G>A, p.Leu48= (NM_001123.4, NM_001369124.1); c.90G>A, p.Lys30= (NM_001202449.2); c.195G>A, p.Leu65= (NM_001202450.2, NM_001369123.1); c.195G>A (NM_006721.3).
Identifiers: ClinVar variation 1983495 (VCV001983495.2), dbSNP rs1194483230, ClinGen allele CA470248419.

ClinVar aggregate classification (germline): Conflicting classifications of pathogenicity. Review status: criteria provided, conflicting classifications (1 of 4 stars). 2 submissions from 2 submitters: Uncertain significance (1); Likely benign (1). Last evaluated 2024-12-28.

Conditions:
Inborn genetic diseases. Identifiers: MedGen C0950123, MeSH D030342.

Allele frequency attached by ClinVar (database versions not stated): gnomAD 0.00017; TOPMed 0.00018.
gnomAD v4.1: 50 of 1,610,576 alleles (0.0031%); highest among the groups gnomAD compares: Admixed American, 0.082%; no homozygotes.

Submissions (2):

Ambry Genetics
Classification: Likely benign for Inborn genetic diseases. Last evaluated: 2024-12-28. Review status: criteria provided, single submitter. Criteria: Ambry Variant Classification Scheme 2023. Collection method: clinical testing. Allele origin: germline.

Labcorp Genetics (formerly Invitae), Labcorp
Classification: Uncertain significance. Last evaluated: 2022-03-05. Review status: criteria provided, single submitter. Criteria: Invitae Variant Classification Sherloc (09022015). Collection method: clinical testing. Allele origin: germline.
Comment: This sequence change affects codon 48 of the ADK mRNA. It is a 'silent' change, meaning that it does not change the encoded amino acid sequence of the ADK protein. It affects a nucleotide within the consensus splice site. This variant is present in population databases (no rsID available, gnomAD 0.06%). This variant has not been reported in the literature in individuals affected with ADK-related conditions. Algorithms developed to predict the effect of sequence changes on RNA splicing suggest that this variant is not likely to affect RNA splicing. In summary, the available evidence is currently insufficient to determine the role of this variant in disease. Therefore, it has been classified as a Variant of Uncertain Significance.